The following is an entry in ClinVar:

ClinVar aggregate classification (germline): Uncertain significance. Review status: criteria provided, multiple submitters, no conflicts (2 of 4 stars). 2 submissions from 2 submitters: Uncertain significance (2). Last evaluated 2024-12-03.

Conditions:
Developmental and epileptic encephalopathy, 23 (DEE23). Also called: Epileptic encephalopathy, early infantile, 23. Identifiers: Orphanet 411986, MedGen C4014492, MONDO:0014371, OMIM 615859.
Inborn genetic diseases. Identifiers: MedGen C0950123, MeSH D030342.

Allele frequency attached by ClinVar (database versions not stated): gnomAD exomes below 0.00001; TOPMed below 0.00001; gnomAD 0.00002.
gnomAD v4.1: 8 of 1,613,600 alleles (0.0005%); highest among the groups gnomAD compares: African/African-American, 0.0027%; no homozygotes.

Submissions (2):

Labcorp Genetics (formerly Invitae), Labcorp
Classification: Uncertain significance for Developmental and epileptic encephalopathy, 23. Last evaluated: 2024-12-03. Review status: criteria provided, single submitter. Criteria: Invitae Variant Classification Sherloc (09022015). Collection method: clinical testing. Allele origin: germline.
Comment: This sequence change replaces aspartic acid, which is acidic and polar, with glycine, which is neutral and non-polar, at codon 482 of the DOCK7 protein (p.Asp482Gly). This variant is present in population databases (no rsID available, gnomAD 0.002%). This variant has not been reported in the literature in individuals affected with DOCK7-related conditions. ClinVar contains an entry for this variant (Variation ID: 1412138). Invitae Evidence Modeling of protein sequence and biophysical properties (such as structural, functional, and spatial information, amino acid conservation, physicochemical variation, residue mobility, and thermodynamic stability) indicates that this missense variant is expected to disrupt DOCK7 protein function with a positive predictive value of 80%. In summary, the available evidence is currently insufficient to determine the role of this variant in disease. Therefore, it has been classified as a Variant of Uncertain Significance.

Ambry Genetics
Classification: Uncertain significance for Inborn genetic diseases. Last evaluated: 2024-06-17. Review status: criteria provided, single submitter. Criteria: Ambry Variant Classification Scheme 2023. Collection method: clinical testing. Allele origin: germline.

NM_001367561.1(DOCK7):c.1445A>G (p.Asp482Gly)

Gene: DOCK7 (dedicator of cytokinesis 7; minus strand). Cytogenetic location: 1p31.3.
Variant type: single nucleotide variant.
Coding change: c.1445A>G on transcript NM_001367561.1 (MANE Select); coding-DNA position 1445, A replaced by G.
Protein change: p.Asp482Gly; replaces aspartic acid 482 with glycine.
Molecular consequence: missense variant.
Genome position (GRCh38, 1-based): chr1:62,619,974, T>C on the plus strand (A>G on the coding strand, the complement: DOCK7 is on the minus strand). VCF-style: chr1-62619974-T-C. GRCh37 (hg19) VCF-style: chr1-63085645-T-C.
Other names: c.1445A>G, p.Asp482Gly (NM_001271999.2, NM_001272000.2, NM_001272001.2 and 3 more transcripts); c.1445A>G (NM_033407.2); short protein forms D482G.
Identifiers: ClinVar variation 1412138 (VCV001412138.9), dbSNP rs1204468694, ClinGen allele CA340614738.
Genomic context (GRCh38, chr1:62,619,974, plus strand): 5'-AGTCGCCGTAAGACAGAAGATGGCCTTCTCATATCAGCAAGGAATTTGTAGAGATCTTCA[T>C]CACTTAAGCGGTCTCCTTCCTGATTTCAATAATAGAGGAAAAAGTATTTGATAAAACAAA-3'
Protein context (NP_001354490.1, residues 472-492): FFKQEGDRLS[Asp482Gly]EDLYKFLADM